The following is an entry in ClinVar:

ClinVar aggregate classification (germline): Uncertain significance (1 of 4 stars; one submission).

Conditions:
Inborn genetic diseases. Identifiers: MedGen C0950123, MeSH D030342.

gnomAD v4.1: 1 of 1,614,222 alleles (0.000062%); highest among the groups gnomAD compares: Non-Finnish European, 0.000085%; no homozygotes.

Submission:

Ambry Genetics
Classification: Uncertain significance for Inborn genetic diseases. Last evaluated: 2025-09-13. Review status: criteria provided, single submitter. Criteria: Ambry Variant Classification Scheme 2023. Collection method: clinical testing. Allele origin: germline.
Comment: The p.N588K variant (also known as c.1764C>G), located in coding exon 12 of the BMPR2 gene, results from a C to G substitution at nucleotide position 1764. The asparagine at codon 588 is replaced by lysine, an amino acid with similar properties. This amino acid position is conserved. In addition, the in silico prediction for this alteration is inconclusive. Based on the available evidence, the clinical significance of this variant remains unclear.

NM_001204.7(BMPR2):c.1764C>G (p.Asn588Lys)

Gene: BMPR2 (bone morphogenetic protein receptor type 2; plus strand). Cytogenetic location: 2q33.2.
Variant type: single nucleotide variant.
Coding change: c.1764C>G on transcript NM_001204.7 (MANE Select); coding-DNA position 1764, C replaced by G.
Protein change: p.Asn588Lys; replaces asparagine 588 with lysine.
Molecular consequence: missense variant.
Genome position (GRCh38, 1-based): chr2:202,555,429, C>G. VCF-style: chr2-202555429-C-G. GRCh37 (hg19) VCF-style: chr2-203420152-C-G.
Other names: short protein forms N588K.
Identifiers: ClinVar variation 4214566 (VCV004214566.1).
Genomic context (GRCh38, chr2:202,555,429, plus strand): 5'-TGAGCATTCTATGTCCAGCACACCTTTGACTATAGGGGAAAAAAACCGAAATTCAATTAA[C>G]TATGAACGACAGCAAGCACAAGCTCGAATCCCCAGCCCTGAAACAAGTGTCACCAGCCTC-3'
Protein context (NP_001195.2, residues 578-598): TIGEKNRNSI[Asn588Lys]YERQQAQARI